The following is an entry in ClinVar:

NM_005859.5(PURA):c.93_96del (p.Gly32fs)

Gene: PURA (purine rich element binding protein A; plus strand). Cytogenetic location: 5q31.3.
Variant type: Deletion.
Coding change: c.93_96del on transcript NM_005859.5 (MANE Select); coding-DNA positions 93 to 96, 4 bases deleted (CGGG; older notation c.93_96delCGGG).
Protein change: p.Gly32fs; shifts the reading frame from glycine 32.
Molecular consequence: frameshift variant.
Genome position (GRCh38, 1-based): chr5:140,114,274-140,114,277, CGGG deleted; deleting any 4 consecutive bases within chr5:140,114,272-140,114,277 gives the same sequence; the c. name uses the placement nearest the transcript's 3' end. VCF-style (leftmost placement, unchanged base first): chr5-140114271-CGGCG-C. GRCh37 (hg19) VCF-style: chr5-139493856-CGGCG-C.
Other names: short protein forms G32fs.
Identifiers: ClinVar variation 3775182 (VCV003775182.1).

ClinVar aggregate classification (germline): Likely pathogenic (1 of 4 stars; one submission).

Conditions:
PURA-related severe neonatal hypotonia-seizures-encephalopathy syndrome (NEDRIHF). Also called: NEURODEVELOPMENTAL DISORDER WITH NEONATAL RESPIRATORY INSUFFICIENCY, HYPOTONIA, AND FEEDING DIFFICULTIES; PURA-Related Neurodevelopmental Disorders. Identifiers: Orphanet 438213, Orphanet 438216, MedGen C4015357, MONDO:1060108, OMIM 616158, MONDO:0018580.

Submission:

3billion
Classification: Likely pathogenic for PURA-related severe neonatal hypotonia-seizures-encephalopathy syndrome. Last evaluated: 2023-08-04. Review status: criteria provided, single submitter. Criteria: ACMG Guidelines, 2015. Collection method: clinical testing. Allele origin: germline. Affected: yes.
Comment: The variant is not observed in the gnomAD v2.1.1 dataset. Predicted Consequence/Location: Frameshift: predicted to result in a loss or disruption of normal protein function through protein truncation. Multiple pathogenic variants are reported in the predicted truncated region. Therefore, this variant is classified as Likely pathogenic according to the recommendation of ACMG/AMP guideline.